The following is an entry in ClinVar:

ClinVar aggregate classification (germline): Likely benign (1 of 4 stars; one submission).

Conditions:
FKTN-related disorder. Also called: FKTN-related condition; FKTN-related disorders.

gnomAD v4.1: 12 of 468,966 alleles (0.0026%); highest among the groups gnomAD compares: Admixed American, 0.021%; no homozygotes.

Submission:

PreventionGenetics, part of Exact Sciences
Classification: Likely benign for FKTN-related condition. Last evaluated: 2025-08-12. Review status: criteria provided, single submitter. Criteria: ACMG Guidelines, 2015. Collection method: clinical testing. Allele origin: germline.
Comment: This variant is classified as likely benign based on ACMG/AMP sequence variant interpretation guidelines (Richards et al. 2015 PMID: 25741868, with internal and published modifications).

NM_001079802.2(FKTN):c.165+1475T>C

Gene: FKTN (fukutin; plus strand). Cytogenetic location: 9q31.2.
Variant type: single nucleotide variant.
Coding change: c.165+1475T>C on transcript NM_001079802.2 (MANE Select); 1475 bases into the intron after coding-DNA position 165, T replaced by C.
Molecular consequence: intron variant. On other transcripts: synonymous variant (1).
Genome position (GRCh38, 1-based): chr9:105,598,132, T>C. VCF-style: chr9-105598132-T-C. GRCh37 (hg19) VCF-style: chr9-108360413-T-C.
Other names: c.45T>C, p.Ser15= (NM_001351497.2); c.165+1475T>C (NM_006731.2, NM_001351496.2, NM_001198963.2 and 1 more transcripts); c.-350+1475T>C (NM_001351502.2, NM_001351499.2, NM_001351500.2 and 1 more transcripts).
Identifiers: ClinVar variation 4977075 (VCV004977075.1).